The following is an entry in ClinVar:

ClinVar aggregate classification (germline): Pathogenic. Review status: criteria provided, multiple submitters, no conflicts (2 of 4 stars). 2 submissions from 2 submitters: Pathogenic (2). Last evaluated 2023-05-01.

Conditions:
Hereditary cancer-predisposing syndrome. Also called: Hereditary Cancer Syndrome; Hereditary neoplastic syndrome; Neoplastic Syndromes, Hereditary; Tumor predisposition. Identifiers: Orphanet 140162, MedGen C0027672, MeSH D009386, MONDO:0015356.
Familial adenomatous polyposis 1 (FAP1). Also called: FAMILIAL ADENOMATOUS POLYPOSIS 1, ATTENUATED; POLYPOSIS, ADENOMATOUS INTESTINAL. Identifiers: MedGen C2713442, MONDO:0021056, OMIM 175100. Disease mechanism: loss of function.

Submissions (2):

Myriad Genetics, Inc.
Classification: Pathogenic for Familial adenomatous polyposis 1. Last evaluated: 2023-05-01. Review status: criteria provided, single submitter. Criteria: Myriad Autosomal Dominant, Autosomal Recessive and X-Linked Classification Criteria (2023). Collection method: clinical testing. Allele origin: unknown.
Comment: This variant is considered pathogenic. This variant creates a frameshift predicted to result in premature protein truncation.

Ambry Genetics
Classification: Pathogenic for Hereditary cancer-predisposing syndrome. Last evaluated: 2022-03-21. Review status: criteria provided, single submitter. Criteria: Ambry Variant Classification Scheme 2023. Collection method: clinical testing. Allele origin: germline.
Comment: The c.1368_1369delTT pathogenic mutation, located in coding exon 10 of the APC gene, results from a deletion of two nucleotides at nucleotide positions 1368 to 1369, causing a translational frameshift with a predicted alternate stop codon (p.S457Ifs*2). This variant is considered to be rare based on population cohorts in the Genome Aggregation Database (gnomAD). This alteration is expected to result in loss of function by premature protein truncation or nonsense-mediated mRNA decay. As such, this alteration is interpreted as a disease-causing mutation.

NM_000038.6(APC):c.1368_1369del (p.Ser457fs)

Gene: APC (APC regulator of Wnt signaling pathway; plus strand). Cytogenetic location: 5q22.2.
Variant type: Deletion.
Coding change: c.1368_1369del on transcript NM_000038.6 (MANE Select); coding-DNA positions 1368 to 1369, 2 bases deleted (TT; older notation c.1368_1369delTT).
Protein change: p.Ser457fs; shifts the reading frame from serine 457.
Molecular consequence: frameshift variant.
Genome position (GRCh38, 1-based): chr5:112,821,951-112,821,952, TT deleted; deleting any 2 consecutive bases within chr5:112,821,950-112,821,952 gives the same sequence; the c. name uses the placement nearest the transcript's 3' end. VCF-style (leftmost placement, unchanged base first): chr5-112821949-CTT-C. GRCh37 (hg19) VCF-style: chr5-112157646-CTT-C.
Other names: c.1368_1369del, p.Ser457fs (NM_001127510.3, NM_001354895.2, NM_001354896.2); c.1314_1315del, p.Ser439fs (NM_001127511.3); c.1398_1399del, p.Ser467fs (NM_001354897.2); c.1293_1294del, p.Ser432fs (NM_001354898.2); c.1284_1285del, p.Ser429fs (NM_001354899.2); c.1191_1192del, p.Ser398fs (NM_001354900.2, NM_001354901.2); c.1095_1096del, p.Ser366fs (NM_001354902.2); c.1065_1066del, p.Ser356fs (NM_001354903.2); and 12 more; short protein forms S366fs, S432fs, S174fs, S331fs, S398fs, S356fs, S457fs, S297fs.
Identifiers: ClinVar variation 1770960 (VCV001770960.3), dbSNP rs387906229, ClinGen allele CA2580072598.
Genomic context (GRCh38, chr5:112,821,949, plus strand): 5'-TTTTCAGTGCCAGCTCCTGTTGAACATCAGATCTGTCCTGCTGTGTGTGTTCTAATGAAA[CTT>C]TCATTTGATGAAGAGCATAGACATGCAATGAATGAACTAGGTAAGACAAAAATGTTTTTT-3'